The following is an entry in ClinVar:

ClinVar aggregate classification (germline): Uncertain significance (1 of 4 stars; one submission).

gnomAD v4.1: 34 of 1,574,146 alleles (0.0022%); highest among the groups gnomAD compares: African/African-American, 0.026%; no homozygotes.

Submission:

Labcorp Genetics (formerly Invitae), Labcorp
Classification: Uncertain significance. Last evaluated: 2025-11-05. Review status: criteria provided, single submitter. Criteria: Invitae Variant Classification Sherloc (09022015). Collection method: clinical testing. Allele origin: germline.
Comment: This sequence change falls in intron 5 of the LIPI gene. It does not directly change the encoded amino acid sequence of the LIPI protein. This variant is present in population databases (rs769795834, gnomAD 0.03%). This variant has not been reported in the literature in individuals affected with LIPI-related conditions. Algorithms developed to predict the effect of sequence changes on RNA splicing suggest that this variant may disrupt the consensus splice site. In summary, the available evidence is currently insufficient to determine the role of this variant in disease. Therefore, it has been classified as a Variant of Uncertain Significance.

NM_001302998.2(LIPI):c.734-20T>G

Gene: LIPI (lipase I; minus strand). Cytogenetic location: 21q11.2.
Variant type: single nucleotide variant.
Coding change: c.734-20T>G on transcript NM_001302998.2 (MANE Select); 20 bases into the intron before coding-DNA position 734, T replaced by G.
Molecular consequence: intron variant.
Genome position (GRCh38, 1-based): chr21:14,165,410, A>C on the plus strand (T>G on the coding strand, the complement: LIPI is on the minus strand). VCF-style: chr21-14165410-A-C. GRCh37 (hg19) VCF-style: chr21-15537731-A-C.
Other names: c.599-20T>G (NM_198996.4); c.239-20T>G (NM_001379566.1); c.644-20T>G (NM_001302999.2); c.734-125T>G (NM_001379565.1); c.734-20T>G (NM_001303000.2, NM_001303001.2).
Identifiers: ClinVar variation 4691310 (VCV004691310.1).
Genomic context (GRCh38, chr21:14,165,410, plus strand): 5'-GTGAACTGCTCTCTGGTGGTTGCATTTAATGAATTGAATTCCTTAAGGGTTAAAAAAAAA[A>C]CAAAGAACTGTAGATGTATTAAGCCATGTTCAAGTACATTTAAAAACAAAGTAAAGATGA-3'